The following is an entry in ClinVar:

NM_182961.4(SYNE1):c.12535_12537del (p.Val4179del)

Gene: SYNE1 (spectrin repeat containing nuclear envelope protein 1; minus strand). Cytogenetic location: 6q25.2.
Variant type: Deletion.
Coding change: c.12535_12537del on transcript NM_182961.4 (MANE Select); coding-DNA positions 12535 to 12537, 3 bases deleted (GTT; older notation c.12535_12537delGTT).
Protein change: p.Val4179del; deletes valine 4179.
Molecular consequence: inframe deletion.
Genome position (GRCh38, 1-based): chr6:152,334,265-152,334,267, AAC deleted on the plus strand (GTT on the coding strand, the reverse complement: SYNE1 is on the minus strand); deleting any 3 consecutive bases within chr6:152,334,265-152,334,269 gives the same sequence; the c. name uses the placement nearest the transcript's 3' end. VCF-style (leftmost placement, unchanged base first): chr6-152334264-TAAC-T. GRCh37 (hg19) VCF-style: chr6-152655399-TAAC-T.
Other names: c.12322_12324del, p.Val4108del (NM_033071.5); short protein forms V4108del, V4179del.
Identifiers: ClinVar variation 1389064 (VCV001389064.6), dbSNP rs1356327027, ClinGen allele CA820894244.

ClinVar aggregate classification (germline): Uncertain significance (1 of 4 stars; one submission).

Conditions:
Emery-Dreifuss muscular dystrophy 4, autosomal dominant (EDMD4). Also called: EMERY-DREIFUSS MUSCULAR DYSTROPHY 4 WITH VARIABLE FEATURES. Identifiers: Orphanet 261, MedGen C2751807, MONDO:0013071, OMIM 612998.
Autosomal recessive ataxia, Beauce type. Also called: SYNE1-Related Autosomal Recessive Cerebellar Ataxia; Spinocerebellar ataxia, autosomal recessive 8; ATAXIA, RECESSIVE, OF BEAUCE; SYNE1 Deficiency. Identifiers: Orphanet 88644, MedGen C1853116, MONDO:0012549, OMIM 610743.

Submission:

Labcorp Genetics (formerly Invitae), Labcorp
Classification: Uncertain significance for Emery-Dreifuss muscular dystrophy 4, autosomal dominant; Autosomal recessive ataxia, Beauce type. Last evaluated: 2022-10-05. Review status: criteria provided, single submitter. Criteria: Invitae Variant Classification Sherloc (09022015). Collection method: clinical testing. Allele origin: germline.
Comment: This variant, c.12322_12324del, results in the deletion of 1 amino acid(s) of the SYNE1 protein (p.Val4108del), but otherwise preserves the integrity of the reading frame. In summary, the available evidence is currently insufficient to determine the role of this variant in disease. Therefore, it has been classified as a Variant of Uncertain Significance. Experimental studies and prediction algorithms are not available or were not evaluated, and the functional significance of this variant is currently unknown. ClinVar contains an entry for this variant (Variation ID: 1389064). This variant has not been reported in the literature in individuals affected with SYNE1-related conditions. This variant is not present in population databases (gnomAD no frequency).